The following is an entry in ClinVar:

ClinVar aggregate classification (germline): Pathogenic (1 of 4 stars; one submission).

Submission:

GeneDx
Classification: Pathogenic. Last evaluated: 2020-07-30. Review status: criteria provided, single submitter. Criteria: GeneDx Variant Classification Process June 2021. Collection method: clinical testing. Allele origin: germline. Affected: yes.
Comment: Frameshift variant predicted to result in protein truncation or nonsense mediated decay in a gene for which loss-of-function is a known mechanism of disease; Not observed in large population cohorts (Lek et al., 2016); Has not been previously published as pathogenic or benign to our knowledge

NM_024649.5(BBS1):c.76del (p.Ala26fs)

Gene: BBS1 (Bardet-Biedl syndrome 1; plus strand). Cytogenetic location: 11q13.2.
Variant type: Deletion.
Coding change: c.76del on transcript NM_024649.5 (MANE Select); coding-DNA position 76, one base deleted (G; older notation c.76delG).
Protein change: p.Ala26fs; shifts the reading frame from alanine 26.
Molecular consequence: frameshift variant.
Genome position (GRCh38, 1-based): chr11:66,511,041, G deleted. VCF-style (leftmost placement, unchanged base first): chr11-66511040-TG-T. GRCh37 (hg19) VCF-style: chr11-66278511-TG-T.
Other names: c.76delG (NM_024649.4); short protein forms A26fs.
Identifiers: ClinVar variation 817988 (VCV000817988.2), dbSNP rs1590753968, ClinGen allele CA915948203.